The following is an entry in ClinVar:

ClinVar aggregate classification (germline): Uncertain significance. Review status: criteria provided, single submitter (1 of 4 stars). 2 submissions from 2 submitters: Uncertain significance (1). 1 of the submissions does not count toward it. Last evaluated 2025-10-07.

Conditions:
ADCY3-related disorder. Also called: ADCY3-related condition.
Inborn genetic diseases. Identifiers: MedGen C0950123, MeSH D030342.

Allele frequency attached by ClinVar (database versions not stated): ExAC 0.00001; TOPMed 0.00002; gnomAD exomes 0.00001; gnomAD 0.00003.
gnomAD v4.1: 15 of 1,613,874 alleles (0.00093%); highest among the groups gnomAD compares: East Asian, 0.011%; no homozygotes.

Submissions (2):

Ambry Genetics
Classification: Uncertain significance for Inborn genetic diseases. Last evaluated: 2025-10-07. Review status: criteria provided, single submitter. Criteria: Ambry Variant Classification Scheme 2023. Collection method: clinical testing. Allele origin: germline.

PreventionGenetics, part of Exact Sciences
Classification: Uncertain significance for ADCY3-related condition. Last evaluated: 2024-01-01. Review status: no assertion criteria provided. Collection method: clinical testing. Allele origin: germline. Not counted in ClinVar's aggregate classification.
Comment: The ADCY3 c.3407C>T variant is predicted to result in the amino acid substitution p.Thr1136Ile. To our knowledge, this variant has not been reported in the literature. This variant is reported in 0.016% of alleles in individuals of East Asian descent in gnomAD. At this time, the clinical significance of this variant is uncertain due to the absence of conclusive functional and genetic evidence.

NM_004036.5(ADCY3):c.3404C>T (p.Thr1135Ile)

Genes: ADCY3 (adenylate cyclase 3; minus strand), CENPO (centromere protein O; plus strand). Cytogenetic location: 2p23.3.
Variant type: single nucleotide variant.
Coding change: c.3404C>T on transcript NM_004036.5 (MANE Select); coding-DNA position 3404, C replaced by T.
Protein change: p.Thr1135Ile; replaces threonine 1135 with isoleucine.
Molecular consequence: missense variant. On other transcripts: 3 prime UTR variant (4), non-coding transcript variant (3).
Genome position (GRCh38, 1-based): chr2:24,819,963, G>A on the plus strand (C>T on the coding strand, the complement: ADCY3 is on the minus strand). VCF-style: chr2-24819963-G-A. GRCh37 (hg19) VCF-style: chr2-25042832-G-A.
Other names: c.3407C>T, p.Thr1136Ile (NM_001320613.2); c.3470C>T, p.Thr1157Ile (NM_001377128.1); c.3266C>T, p.Thr1089Ile (NM_001377129.1); c.*145C>T (NM_001377130.1); c.2681C>T, p.Thr894Ile (NM_001377131.1); c.3404C>T, p.Thr1135Ile (NM_001377132.1); c.*645G>A (NM_001199803.3, NM_001322101.2, NM_024322.4); c.3407C>T (NM_001320613.1); short protein forms T1135I, T894I, T1136I, T1089I, T1157I.
Identifiers: ClinVar variation 3081613 (VCV003081613.3), dbSNP rs778587134, ClinGen allele CA1553397.